The following is an entry in ClinVar:

ClinVar aggregate classification (germline): Conflicting classifications of pathogenicity. Review status: criteria provided, conflicting classifications (1 of 4 stars). 5 submissions from 5 submitters: Uncertain significance (2); Likely benign (2). 1 of the submissions does not count toward it. Last evaluated 2026-02-02.

Conditions:
GATAD1-related disorder. Also called: GATAD1-related condition.
Cardiovascular phenotype. Identifiers: MedGen CN230736.
Dilated cardiomyopathy 2B. Identifiers: Orphanet 154, MedGen C3553409, MONDO:0013848, OMIM 614672.

Submissions (5):

Labcorp Genetics (formerly Invitae), Labcorp
Classification: Likely benign for Dilated cardiomyopathy 2B. Last evaluated: 2026-02-02. Review status: criteria provided, single submitter. Criteria: Invitae Variant Classification Sherloc (09022015). Collection method: clinical testing. Allele origin: germline.

Blueprint Genetics
Classification: Uncertain significance. Last evaluated: 2024-09-12. Review status: criteria provided, single submitter. Criteria: ACMG Guidelines, 2015. Collection method: clinical testing. Allele origin: germline.

Ambry Genetics
Classification: Likely benign for Cardiovascular phenotype. Last evaluated: 2023-02-10. Review status: criteria provided, single submitter. Criteria: Ambry Variant Classification Scheme 2023. Collection method: clinical testing. Allele origin: germline.

Laboratory for Molecular Medicine, Mass General Brigham Personalized Medicine
Classification: Uncertain significance. Last evaluated: 2015-09-22. Review status: criteria provided, single submitter. Criteria: LMM Criteria. Collection method: clinical testing. Allele origin: germline. Observed: 1 variant allele.
Comment: The p.Gly59dup variant in GATAD1 has not been previously reported in individuals with DCM and data from large population studies is insufficient to assess the f requency of this variant. This variant results in the duplication of a glycine r esidue at position 59 and is not predicted to alter the protein reading-frame. I n summary, the clinical significance of the p.Gly59dup variant is uncertain.

PreventionGenetics, part of Exact Sciences
Classification: Likely benign for GATAD1-related condition. Last evaluated: 2022-02-24. Review status: no assertion criteria provided. Collection method: clinical testing. Allele origin: germline. Not counted in ClinVar's aggregate classification.
Comment: This variant is classified as likely benign based on ACMG/AMP sequence variant interpretation guidelines (Richards et al. 2015 PMID: 25741868, with internal and published modifications).

NM_021167.5(GATAD1):c.166GGC[5] (p.Gly59dup)

Genes: GATAD1 (GATA zinc finger domain containing 1; plus strand), LOC129998793 (ATAC-STARR-seq lymphoblastoid silent region 18371; plus strand). Cytogenetic location: 7q21.2.
Variant type: Microsatellite.
Coding change: c.166GGC[5] on transcript NM_021167.5 (MANE Select); five copies in a row of the 3-base unit GGC starting at c.166; the reference has four copies in a row; one copy, 3 bases duplicated; also written c.175_177dup.
Protein change: p.Gly59dup; duplicates glycine 59.
Molecular consequence: inframe insertion. On other transcripts: non-coding transcript variant (1).
Genome position (GRCh38, 1-based): chr7:92,447,904-92,447,906, GGC duplicated; duplicating any 3 consecutive bases within chr7:92,447,893-92,447,906 gives the same sequence; the position shown is the placement nearest the transcript's 3' end. VCF-style (leftmost placement, unchanged base first): chr7-92447892-A-AGCG. GRCh37 (hg19) VCF-style: chr7-92077206-A-AGCG.
Other names: p.Gly59dup; c.175_177dup (NM_021167.4).
Identifiers: ClinVar variation 228693 (VCV000228693.20), dbSNP rs876657812, ClinGen allele CA10576730.